The following is an entry in ClinVar:

ClinVar aggregate classification (germline): Pathogenic (1 of 4 stars; one submission).

Conditions:
ALG1-congenital disorder of glycosylation. Also called: CONGENITAL DISORDER OF GLYCOSYLATION, TYPE Ik; CDG Ik; ALG1-CDG. Identifiers: Orphanet 79327, MedGen C2931005, MONDO:0012052, OMIM 608540.

Submission:

Labcorp Genetics (formerly Invitae), Labcorp
Classification: Pathogenic for ALG1-congenital disorder of glycosylation. Last evaluated: 2022-12-22. Review status: criteria provided, single submitter. Criteria: Invitae Variant Classification Sherloc (09022015). Collection method: clinical testing. Allele origin: germline.
Comment: This sequence change creates a premature translational stop signal (p.Glu300*) in the ALG1 gene. It is expected to result in an absent or disrupted protein product. Loss-of-function variants in ALG1 are known to be pathogenic (PMID: 20679665, 23806237). This variant is not present in population databases (gnomAD no frequency). This variant has not been reported in the literature in individuals affected with ALG1-related conditions. For these reasons, this variant has been classified as Pathogenic.

Literature cited by the submitters: PubMed 20679665; PubMed 23806237.

NM_019109.5(ALG1):c.898G>T (p.Glu300Ter)

Gene: ALG1 (ALG1 chitobiosyldiphosphodolichol beta-mannosyltransferase; plus strand). Cytogenetic location: 16p13.3.
Variant type: single nucleotide variant.
Coding change: c.898G>T on transcript NM_019109.5 (MANE Select); coding-DNA position 898, G replaced by T.
Protein change: p.Glu300Ter; replaces glutamic acid 300 with a stop codon.
Molecular consequence: nonsense.
Genome position (GRCh38, 1-based): chr16:5,079,099, G>T. VCF-style: chr16-5079099-G-T. GRCh37 (hg19) VCF-style: chr16-5129100-G-T.
Other names: c.565G>T, p.Glu189Ter (NM_001330504.2); short protein forms E189*, E300*.
Identifiers: ClinVar variation 2819765 (VCV002819765.3), dbSNP rs2505863979, ClinGen allele CA394681987.
Genomic context (GRCh38, chr16:5,079,099, plus strand): 5'-CTGACATTCAATTCTCTTCTCATAGAGGACGAAGACTTCTCCATCCTGCTGGCAGCTTTA[G>T]AAAGTAGGTGTGTGGCTGCGGTGAGGAGCTCTGGGCTTGTCGGGGGCCACTGAGCTGTAA-3'